The following is an entry in ClinVar:

ClinVar aggregate classification (germline): Likely benign (0 of 4 stars; one submission).

Conditions:
CASP9-related disorder. Also called: CASP9-related condition.

Allele frequency attached by ClinVar (database versions not stated): 1000 Genomes Project 0.00040; 1000 Genomes Project 30x 0.00047; ExAC 0.00096; ESP Exome Variant Server 0.00108.

Submission:

PreventionGenetics, part of Exact Sciences
Classification: Likely benign for CASP9-related condition. Last evaluated: 2022-12-13. Review status: no assertion criteria provided. Collection method: clinical testing. Allele origin: germline.
Comment: This variant is classified as likely benign based on ACMG/AMP sequence variant interpretation guidelines (Richards et al. 2015 PMID: 25741868, with internal and published modifications).

NM_001229.5(CASP9):c.469A>G (p.Met157Val)

Gene: CASP9 (caspase 9; minus strand). Cytogenetic location: 1p36.21.
Variant type: single nucleotide variant.
Coding change: c.469A>G on transcript NM_001229.5 (MANE Select); coding-DNA position 469, A replaced by G.
Protein change: p.Met157Val; replaces methionine 157 with valine.
Molecular consequence: missense variant. On other transcripts: non-coding transcript variant (2), intron variant (1).
Genome position (GRCh38, 1-based): chr1:15,507,060, T>C on the plus strand (A>G on the coding strand, the complement: CASP9 is on the minus strand). VCF-style: chr1-15507060-T-C. GRCh37 (hg19) VCF-style: chr1-15833555-T-C.
Other names: c.220A>G, p.Met74Val (NM_032996.3); c.418+11050A>G (NM_001278054.2); short protein forms M157V, M74V.
Identifiers: ClinVar variation 3034388 (VCV003034388.2), dbSNP rs145118493, ClinGen allele CA614574.
Genomic context (GRCh38, chr1:15,507,060, plus strand): 5'-GCCCGGACTCACGGCAGAAGTTCACATTGTTGATAATGAGGCAGTGGCCACAGGGCTCCA[T>C]GCTCAGGATGTAAGCCTGCCAGCACAGGGACCCACGTAAACCCGGGCTCTCCCCACGCTC-3'
Protein context (NP_001220.2, residues 147-167): GNADLAYILS[Met157Val]EPCGHCLIIN